The following is an entry in ClinVar:

ClinVar aggregate classification (germline): Uncertain significance (1 of 4 stars; one submission).

Allele frequency attached by ClinVar (database versions not stated): gnomAD exomes below 0.00001.
gnomAD v4.1: 2 of 1,550,484 alleles (0.00013%); highest among the groups gnomAD compares: South Asian, 0.0012%; no homozygotes.

Submission:

Labcorp Genetics (formerly Invitae), Labcorp
Classification: Uncertain significance. Last evaluated: 2022-08-10. Review status: criteria provided, single submitter. Criteria: Invitae Variant Classification Sherloc (09022015). Collection method: clinical testing. Allele origin: germline.
Comment: This sequence change replaces histidine, which is basic and polar, with arginine, which is basic and polar, at codon 1099 of the EYS protein (p.His1099Arg). This variant is present in population databases (no rsID available, gnomAD 0.004%). This variant has not been reported in the literature in individuals affected with EYS-related conditions. Algorithms developed to predict the effect of missense changes on protein structure and function output the following: SIFT: "Tolerated"; PolyPhen-2: "Benign"; Align-GVGD: "Class C0". The arginine amino acid residue is found in multiple mammalian species, which suggests that this missense change does not adversely affect protein function. In summary, the available evidence is currently insufficient to determine the role of this variant in disease. Therefore, it has been classified as a Variant of Uncertain Significance.

NM_001142800.2(EYS):c.3296A>G (p.His1099Arg)

Gene: EYS (eyes shut homolog; minus strand). Cytogenetic location: 6q12.
Variant type: single nucleotide variant.
Coding change: c.3296A>G on transcript NM_001142800.2 (MANE Select); coding-DNA position 3296, A replaced by G.
Protein change: p.His1099Arg; replaces histidine 1099 with arginine.
Molecular consequence: missense variant.
Genome position (GRCh38, 1-based): chr6:64,813,525, T>C on the plus strand (A>G on the coding strand, the complement: EYS is on the minus strand). VCF-style: chr6-64813525-T-C. GRCh37 (hg19) VCF-style: chr6-65523418-T-C.
Other names: c.3296A>G, p.His1099Arg (NM_001292009.2); short protein forms H1099R.
Identifiers: ClinVar variation 1922237 (VCV001922237.2), dbSNP rs755412200, ClinGen allele CA364786989.